The following is an entry in ClinVar:

NM_006876.3(B4GAT1):c.720G>C (p.Leu240=)

Gene: B4GAT1 (beta-1,4-glucuronyltransferase 1; minus strand). Cytogenetic location: 11q13.2.
Variant type: single nucleotide variant.
Coding change: c.720G>C on transcript NM_006876.3 (MANE Select); coding-DNA position 720, G replaced by C.
Protein change: p.Leu240=; no amino-acid change (leucine 240 retained).
Molecular consequence: synonymous variant.
Genome position (GRCh38, 1-based): chr11:66,346,826, C>G on the plus strand (G>C on the coding strand, the complement: B4GAT1 is on the minus strand). VCF-style: chr11-66346826-C-G. GRCh37 (hg19) VCF-style: chr11-66114297-C-G.
Identifiers: ClinVar variation 2641989 (VCV002641989.24), dbSNP rs199697038, ClinGen allele CA224043542.

ClinVar aggregate classification (germline): Likely benign (1 of 4 stars; one submission).

Allele frequency attached by ClinVar (database versions not stated): gnomAD exomes 0.00001.
gnomAD v4.1: 19 of 1,613,712 alleles (0.0012%); highest among the groups gnomAD compares: Non-Finnish European, 0.0014%; no homozygotes.

Submission:

CeGaT Center for Human Genetics Tuebingen
Classification: Likely benign. Last evaluated: 2022-09-01. Review status: criteria provided, single submitter. Criteria: CeGaT Center For Human Genetics Tuebingen Variant Classification Criteria Version 2. Collection method: clinical testing. Allele origin: germline. Affected: yes. Observed: 1 variant allele.
Comment: B4GAT1: BP4, BP7